The following is an entry in ClinVar:

ClinVar aggregate classification (germline): Uncertain significance. Review status: criteria provided, multiple submitters, no conflicts (2 of 4 stars). 2 submissions from 2 submitters: Uncertain significance (2). Last evaluated 2025-07-14.

Conditions:
Pontocerebellar hypoplasia type 3 (PCH3). Also called: PCH WITH OPTIC ATROPHY; CEREBELLAR ATROPHY WITH PROGRESSIVE MICROCEPHALY. Identifiers: Orphanet 97249, MedGen C1842687, MONDO:0011948, OMIM 608027.

Allele frequency attached by ClinVar (database versions not stated): gnomAD exomes below 0.00001 and 0.00001; ExAC 0.00002.
gnomAD v4.1: 6 of 1,613,814 alleles (0.00037%); highest among the groups gnomAD compares: Middle Eastern, 0.066%; no homozygotes.

Submissions (2):

Labcorp Genetics (formerly Invitae), Labcorp
Classification: Uncertain significance. Last evaluated: 2025-07-14. Review status: criteria provided, single submitter. Criteria: Invitae Variant Classification Sherloc (09022015). Collection method: clinical testing. Allele origin: germline.
Comment: This sequence change replaces proline, which is neutral and non-polar, with histidine, which is basic and polar, at codon 2178 of the PCLO protein (p.Pro2178His). This variant is present in population databases (rs764859401, gnomAD 0.003%). This variant has not been reported in the literature in individuals affected with PCLO-related conditions. ClinVar contains an entry for this variant (Variation ID: 1029003). Experimental studies and prediction algorithms are not available or were not evaluated, and the functional significance of this variant is currently unknown. In summary, the available evidence is currently insufficient to determine the role of this variant in disease. Therefore, it has been classified as a Variant of Uncertain Significance.

Baylor Genetics
Classification: Uncertain significance for Pontocerebellar hypoplasia type 3. Last evaluated: 2020-02-23. Review status: criteria provided, single submitter. Criteria: ACMG Guidelines, 2015. Collection method: clinical testing. Allele origin: unknown. Affected: yes.
Comment: This variant was determined to be of uncertain significance according to ACMG Guidelines, 2015 [PMID:25741868].

NM_033026.6(PCLO):c.6533C>A (p.Pro2178His)

Gene: PCLO (piccolo presynaptic cytomatrix protein; minus strand). Cytogenetic location: 7q21.11.
Variant type: single nucleotide variant.
Coding change: c.6533C>A on transcript NM_033026.6 (MANE Select); coding-DNA position 6533, C replaced by A.
Protein change: p.Pro2178His; replaces proline 2178 with histidine.
Molecular consequence: missense variant.
Genome position (GRCh38, 1-based): chr7:82,954,420, G>T on the plus strand (C>A on the coding strand, the complement: PCLO is on the minus strand). VCF-style: chr7-82954420-G-T. GRCh37 (hg19) VCF-style: chr7-82583736-G-T.
Other names: c.6533C>A, p.Pro2178His (NM_014510.3); short protein forms P2178H.
Identifiers: ClinVar variation 1029003 (VCV001029003.6), dbSNP rs764859401, ClinGen allele CA4320449.